The following is an entry in ClinVar:

NM_020937.4(FANCM):c.4816T>A (p.Phe1606Ile)

Gene: FANCM (FA complementation group M; plus strand). Cytogenetic location: 14q21.2.
Variant type: single nucleotide variant.
Coding change: c.4816T>A on transcript NM_020937.4 (MANE Select); coding-DNA position 4816, T replaced by A.
Protein change: p.Phe1606Ile; replaces phenylalanine 1606 with isoleucine.
Molecular consequence: missense variant.
Genome position (GRCh38, 1-based): chr14:45,188,838, T>A. VCF-style: chr14-45188838-T-A. GRCh37 (hg19) VCF-style: chr14-45658041-T-A.
Other names: c.4738T>A, p.Phe1580Ile (NM_001308133.2); short protein forms F1580I, F1606I.
Identifiers: ClinVar variation 4841754 (VCV004841754.1).

ClinVar aggregate classification (germline): Uncertain significance (1 of 4 stars; one submission).

Conditions:
Inborn genetic diseases. Identifiers: MedGen C0950123, MeSH D030342.

Submission:

Ambry Genetics
Classification: Uncertain significance for Inborn genetic diseases. Last evaluated: 2025-12-29. Review status: criteria provided, single submitter. Criteria: Ambry Variant Classification Scheme 2023. Collection method: clinical testing. Allele origin: germline.
Comment: The p.F1606I variant (also known as c.4816T>A), located in coding exon 20 of the FANCM gene, results from a T to A substitution at nucleotide position 4816. The phenylalanine at codon 1606 is replaced by isoleucine, an amino acid with highly similar properties. This amino acid position is conserved. In addition, the in silico prediction for this alteration is inconclusive. Based on the available evidence, the clinical significance of this variant remains unclear.